The following is an entry in ClinVar:

NM_001101669.3(INPP4B):c.2268G>C (p.Leu756=)

Gene: INPP4B (inositol polyphosphate-4-phosphatase type II B; minus strand). Cytogenetic location: 4q31.21.
Variant type: single nucleotide variant.
Coding change: c.2268G>C on transcript NM_001101669.3 (MANE Select); coding-DNA position 2268, G replaced by C.
Protein change: p.Leu756=; no amino-acid change (leucine 756 retained).
Molecular consequence: synonymous variant. On other transcripts: non-coding transcript variant (9), intron variant (3).
Genome position (GRCh38, 1-based): chr4:142,112,550, C>G on the plus strand (G>C on the coding strand, the complement: INPP4B is on the minus strand). VCF-style: chr4-142112550-C-G. GRCh37 (hg19) VCF-style: chr4-143033703-C-G.
Other names: c.2268G>C, p.Leu756= (NM_001331040.1, NM_001385334.1, NM_001385335.1 and 8 more transcripts); c.2295G>C, p.Leu765= (NM_001385339.1, NM_001385343.1); c.1713G>C, p.Leu571= (NM_001385350.1, NM_001385379.1, NM_001385380.1 and 6 more transcripts); c.1863G>C, p.Leu621= (NM_001385351.1); c.1509G>C, p.Leu503= (NM_001385357.1, NM_001385362.1, NM_001385458.1); c.1536G>C, p.Leu512= (NM_001385450.1); c.1524G>C, p.Leu508= (NM_001385452.1); c.1740G>C, p.Leu580= (NM_001385455.1); and 3 more.
Identifiers: ClinVar variation 4084614 (VCV004084614.8).

ClinVar aggregate classification (germline): Likely benign (1 of 4 stars; one submission).

gnomAD v4.1: 1 of 1,612,734 alleles (0.000062%); highest among the groups gnomAD compares: African/African-American, 0.0013%; no homozygotes.

Submission:

CeGaT Center for Human Genetics Tuebingen
Classification: Likely benign. Last evaluated: 2025-06-01. Review status: criteria provided, single submitter. Criteria: CeGaT Center For Human Genetics Tuebingen Variant Classification Criteria Version 2. Collection method: clinical testing. Allele origin: germline. Affected: yes. Observed: 1 variant allele.
Comment: INPP4B: BP4, BP7